The following is an entry in ClinVar:

NM_001848.3(COL6A1):c.2130G>A (p.Thr710=)

Gene: COL6A1 (collagen type VI alpha 1 chain; plus strand). Cytogenetic location: 21q22.3.
Variant type: single nucleotide variant.
Coding change: c.2130G>A on transcript NM_001848.3 (MANE Select); coding-DNA position 2130, G replaced by A.
Protein change: p.Thr710=; no amino-acid change (threonine 710 retained).
Molecular consequence: synonymous variant.
Genome position (GRCh38, 1-based): chr21:46,002,281, G>A. VCF-style: chr21-46002281-G-A. GRCh37 (hg19) VCF-style: chr21-47422195-G-A.
Other names: p.Thr710=.
Identifiers: ClinVar variation 93848 (VCV000093848.48), dbSNP rs147219060, ClinGen allele CA147363.

ClinVar aggregate classification (germline): Benign/Likely benign. Review status: criteria provided, multiple submitters, no conflicts (2 of 4 stars). 10 submissions from 10 submitters: Benign (6); Likely benign (2). 2 of the submissions do not count toward it. Last evaluated 2026-09-01.

Conditions:
Collagen 6-related myopathy. Identifiers: MedGen CN117976, MONDO:0100225.
Bethlem myopathy 1A. Also called: MYOPATHY, BENIGN CONGENITAL, WITH CONTRACTURES; Bethlem myopathy 1; Bethlem Muscular Dystrophy. Identifiers: Orphanet 610, MedGen CN029274, MONDO:0024530, OMIM 158810.

Allele frequency attached by ClinVar (database versions not stated): gnomAD 0.00252 and 0.00290; TOPMed 0.00258; ESP Exome Variant Server 0.00262; 1000 Genomes Project 0.00300; 1000 Genomes Project 30x 0.00328; gnomAD exomes 0.00394 and 0.00397; ExAC 0.00733.
gnomAD v4.1: 6,088 of 1,597,108 alleles (0.38%); highest among the groups gnomAD compares: South Asian, 1.3%; 34 homozygotes.

Submissions (10):

CeGaT Center for Human Genetics Tuebingen
Classification: Benign. Last evaluated: 2026-09-01. Review status: criteria provided, single submitter. Criteria: CeGaT Center For Human Genetics Tuebingen Variant Classification Criteria Version 2. Collection method: clinical testing. Allele origin: germline. Affected: yes. Observed: 13 variant alleles.
Comment: COL6A1: BP4, BP7, BS1, BS2

Labcorp Genetics (formerly Invitae), Labcorp
Classification: Benign for Bethlem myopathy 1A. Last evaluated: 2026-02-01. Review status: criteria provided, single submitter. Criteria: Invitae Variant Classification Sherloc (09022015). Collection method: clinical testing. Allele origin: germline.

Mayo Clinic Laboratories, Mayo Clinic
Classification: Benign. Last evaluated: 2019-05-06. Review status: criteria provided, single submitter. Criteria: ACMG Guidelines, 2015. Collection method: clinical testing. Allele origin: germline. Observed: 7 variant alleles.

Illumina Laboratory Services, Illumina
Classification: Benign for Collagen VI-related myopathy. Last evaluated: 2018-01-13. Review status: criteria provided, single submitter. Criteria: ICSL Variant Classification Criteria 13 December 2019. Collection method: clinical testing. Allele origin: germline.
Comment: This variant was observed in the ICSL laboratory as part of a predisposition screen in an ostensibly healthy population. It had not been previously curated by ICSL or reported in the Human Gene Mutation Database (HGMD: prior to June 1st, 2018), and was therefore a candidate for classification through an automated scoring system. Utilizing variant allele frequency, disease prevalence and penetrance estimates, and inheritance mode, an automated score was calculated to assess if this variant is too frequent to cause the disease. Based on the score and internal cut-off values, a variant classified as benign is not then subjected to further curation. The score for this variant resulted in a classification of benign for this disease.

GeneDx
Classification: Benign. Last evaluated: 2017-01-12. Review status: criteria provided, single submitter. Criteria: GeneDx Variant Classification (06012015). Collection method: clinical testing. Allele origin: germline. Affected: yes.
Comment: This variant is considered likely benign or benign based on one or more of the following criteria: it is a conservative change, it occurs at a poorly conserved position in the protein, it is predicted to be benign by multiple in silico algorithms, and/or has population frequency not consistent with disease.

Eurofins Ntd Llc (ga)
Classification: Benign. Last evaluated: 2012-09-06. Review status: criteria provided, single submitter. Criteria: EGL Classification Definitions 2015. Collection method: clinical testing. Allele origin: germline. Observed: 4 variant alleles, 4 heterozygotes.

Breakthrough Genomics
Classification: Likely benign. Review status: criteria provided, single submitter. Criteria: ACMG Guidelines, 2015. Collection method: not provided. Allele origin: germline. Inheritance: Autosomal recessive inheritance. Affected: yes.

PreventionGenetics, part of Exact Sciences
Classification: Likely benign. Review status: criteria provided, single submitter. Criteria: ACMG Guidelines, 2015. Collection method: clinical testing. Allele origin: germline.

Joint Genome Diagnostic Labs from Nijmegen and Maastricht, Radboudumc and MUMC+
Classification: Benign. Review status: no assertion criteria provided. Collection method: clinical testing. Allele origin: germline. Affected: yes. Study: VKGL Data-share Consensus. Not counted in ClinVar's aggregate classification.

Laboratory of Diagnostic Genome Analysis, Leiden University Medical Center (LUMC)
Classification: Likely benign. Review status: no assertion criteria provided. Collection method: clinical testing. Allele origin: germline. Affected: yes. Study: VKGL Data-share Consensus. Not counted in ClinVar's aggregate classification.